The following is an entry in ClinVar:

NM_001267550.2(TTN):c.11311+2170_11311+2174del

Gene: TTN (titin; minus strand). Cytogenetic location: 2q31.2.
Variant type: Deletion.
Coding change: c.11311+2170_11311+2174del on transcript NM_001267550.2 (MANE Select); bases 2170 to 2174 of the intron after coding-DNA position 11311, 5 bases deleted (GAAAG; older notation c.11311+2170_11311+2174delGAAAG).
Molecular consequence: intron variant. On other transcripts: frameshift variant (1).
Genome position (GRCh38, 1-based): chr2:178,750,950-178,750,954, CTTTC deleted on the plus strand (GAAAG on the coding strand, the reverse complement: TTN is on the minus strand); deleting any 5 consecutive bases within chr2:178,750,950-178,750,958 gives the same sequence; the c. name uses the placement nearest the transcript's 3' end. VCF-style (leftmost placement, unchanged base first): chr2-178750949-ACTTTC-A. GRCh37 (hg19) VCF-style: chr2-179615676-ACTTTC-A.
Other names: c.11446_11450del, p.Glu3816fs (NM_133379.5); c.10222+2170_10222+2174del (NM_003319.4); c.10798+2170_10798+2174del (NM_133437.4); c.10597+2170_10597+2174del (NM_133432.3); c.10360+2170_10360+2174del (NM_133378.4, NM_001256850.1); short protein forms E3816fs.
Identifiers: ClinVar variation 4795452 (VCV004795452.1).
Genomic context (GRCh38, chr2:178,750,949, plus strand): 5'-TCCTCTTGCTTGGGTATTTTCATTTACTAGAATTTCACCATATAAATGGTCTTTTGGTAG[ACTTTC>A]CTTTACCAGTGCTTCTTGGCTCATTCTTATTTCAGTCTGGAAAATTTCTTCATCAACAAT-3'

ClinVar aggregate classification (germline): Uncertain significance (1 of 4 stars; one submission).

Submission:

GeneDx
Classification: Uncertain significance. Last evaluated: 2025-08-11. Review status: criteria provided, single submitter. Criteria: GeneDx Variant Classification Process June 2021. Collection method: clinical testing. Allele origin: germline. Affected: yes.
Comment: Not observed at significant frequency in large population cohorts (gnomAD); Frameshift variant predicted to result in abnormal protein length as the last 1789 amino acids are replaced with 8 different amino acids; Has not been previously published as pathogenic or benign to our knowledge; Reported using an alternate transcript of the gene